The following is an entry in ClinVar:

NM_001113378.2(FANCI):c.1176A>T (p.Ser392=)

Gene: FANCI (FA complementation group I; plus strand). Cytogenetic location: 15q26.1.
Variant type: single nucleotide variant.
Coding change: c.1176A>T on transcript NM_001113378.2 (MANE Select); coding-DNA position 1176, A replaced by T.
Protein change: p.Ser392=; no amino-acid change (serine 392 retained).
Molecular consequence: synonymous variant.
Genome position (GRCh38, 1-based): chr15:89,276,774, A>T. VCF-style: chr15-89276774-A-T. GRCh37 (hg19) VCF-style: chr15-89820005-A-T.
Other names: c.897A>T, p.Ser299= (NM_001376910.1); c.1176A>T, p.Ser392= (NM_001376911.1, NM_018193.3).
Identifiers: ClinVar variation 317272 (VCV000317272.47), dbSNP rs201871288, ClinGen allele CA7722940.

ClinVar aggregate classification (germline): Conflicting classifications of pathogenicity. Review status: criteria provided, conflicting classifications (1 of 4 stars). 5 submissions from 5 submitters: Uncertain significance (1); Likely benign (4). Last evaluated 2026-02-05.

Conditions:
Fanconi anemia (FA). Also called: Fanconi's anemia. Identifiers: Orphanet 84, MedGen C0015625, MeSH D005199, MONDO:0019391.
FANCI-related disorder. Also called: FANCI-related condition.
Fanconi anemia complementation group I (FANCI). Also called: FANCI-Related Fanconi Anemia. Identifiers: Orphanet 84, MedGen C1836861, MONDO:0012186, OMIM 609053.

Allele frequency attached by ClinVar (database versions not stated): gnomAD 0.00001 and 0.00002; TOPMed 0.00005; gnomAD exomes 0.00006; ExAC 0.00007.
gnomAD v4.1: 99 of 1,614,082 alleles (0.0061%); highest among the groups gnomAD compares: Non-Finnish European, 0.0055%; no homozygotes.

Submissions (5):

PreventionGenetics, part of Exact Sciences
Classification: Likely benign for FANCI-related condition. Last evaluated: 2026-02-05. Review status: criteria provided, single submitter. Criteria: ACMG Guidelines, 2015. Collection method: clinical testing. Allele origin: germline.
Comment: This variant is classified as likely benign based on ACMG/AMP sequence variant interpretation guidelines (Richards et al. 2015 PMID: 25741868, with internal and published modifications).

Labcorp Genetics (formerly Invitae), Labcorp
Classification: Likely benign for Fanconi anemia. Last evaluated: 2025-12-16. Review status: criteria provided, single submitter. Criteria: Invitae Variant Classification Sherloc (09022015). Collection method: clinical testing. Allele origin: germline.

CeGaT Center for Human Genetics Tuebingen
Classification: Likely benign. Last evaluated: 2025-03-01. Review status: criteria provided, single submitter. Criteria: CeGaT Center For Human Genetics Tuebingen Variant Classification Criteria Version 2. Collection method: clinical testing. Allele origin: germline. Affected: yes. Observed: 2 variant alleles.
Comment: FANCI: BP4, BP7

Blueprint Genetics
Classification: Likely benign. Last evaluated: 2023-05-08. Review status: criteria provided, single submitter. Criteria: ACMG Guidelines, 2015. Collection method: clinical testing. Allele origin: germline.

Illumina Laboratory Services, Illumina
Classification: Uncertain significance for Fanconi anemia complementation group I. Last evaluated: 2018-01-13. Review status: criteria provided, single submitter. Criteria: ICSL Variant Classification Criteria 13 December 2019. Collection method: clinical testing. Allele origin: germline.